The following is an entry in ClinVar:

ClinVar aggregate classification (germline): Likely benign. Review status: criteria provided, multiple submitters, no conflicts (2 of 4 stars). 4 submissions from 4 submitters: Likely benign (4). Last evaluated 2026-05-26.

Conditions:
TTN-related disorder. Also called: TTN-related disorders; TTN-related condition; TTN-related disease.
Cardiovascular phenotype. Identifiers: MedGen CN230736.
Dilated cardiomyopathy 1G (CMD1G). Identifiers: Orphanet 154, MedGen C1858763, MONDO:0011400, OMIM 604145.
Autosomal recessive limb-girdle muscular dystrophy type 2J (LGMDR10). Also called: MUSCULAR DYSTROPHY, LIMB-GIRDLE, AUTOSOMAL RECESSIVE 10; Limb-girdle muscular dystrophy, type 2J. Identifiers: Orphanet 140922, MedGen C1837342, MONDO:0012127, OMIM 608807.

Allele frequency attached by ClinVar (database versions not stated): gnomAD exomes below 0.00001; TOPMed below 0.00001; gnomAD 0.00001.
gnomAD v4.1: 4 of 1,612,810 alleles (0.00025%); highest among the groups gnomAD compares: Non-Finnish European, 0.00025%; no homozygotes.

Submissions (4):

PreventionGenetics, part of Exact Sciences
Classification: Likely benign for TTN-related condition. Last evaluated: 2026-05-26. Review status: criteria provided, single submitter. Criteria: ACMG Guidelines, 2015. Collection method: clinical testing. Allele origin: germline.
Comment: This variant is classified as likely benign based on ACMG/AMP sequence variant interpretation guidelines (Richards et al. 2015 PMID: 25741868, with internal and published modifications).

CeGaT Center for Human Genetics Tuebingen
Classification: Likely benign. Last evaluated: 2025-06-01. Review status: criteria provided, single submitter. Criteria: CeGaT Center For Human Genetics Tuebingen Variant Classification Criteria Version 2. Collection method: clinical testing. Allele origin: germline. Affected: yes. Observed: 1 variant allele.
Comment: TTN: BP4, BP7

Labcorp Genetics (formerly Invitae), Labcorp
Classification: Likely benign for Dilated cardiomyopathy 1G; Autosomal recessive limb-girdle muscular dystrophy type 2J. Last evaluated: 2025-05-23. Review status: criteria provided, single submitter. Criteria: Invitae Variant Classification Sherloc (09022015). Collection method: clinical testing. Allele origin: germline.

Ambry Genetics
Classification: Likely benign for Cardiovascular phenotype. Last evaluated: 2020-07-30. Review status: criteria provided, single submitter. Criteria: Ambry Variant Classification Scheme 2023. Collection method: clinical testing. Allele origin: germline.

NM_001267550.2(TTN):c.55044A>G (p.Arg18348=)

Genes: TTN (titin; minus strand), TTN-AS1 (TTN antisense RNA 1; plus strand). Cytogenetic location: 2q31.2.
Variant type: single nucleotide variant.
Coding change: c.55044A>G on transcript NM_001267550.2 (MANE Select); coding-DNA position 55044, A replaced by G.
Protein change: p.Arg18348=; no amino-acid change (arginine 18348 retained).
Molecular consequence: synonymous variant.
Genome position (GRCh38, 1-based): chr2:178,602,358, T>C on the plus strand (A>G on the coding strand, the complement: TTN is on the minus strand). VCF-style: chr2-178602358-T-C. GRCh37 (hg19) VCF-style: chr2-179467085-T-C.
Other names: c.50121A>G, p.Arg16707= (NM_001256850.1); c.27849A>G, p.Arg9283= (NM_003319.4); c.47340A>G, p.Arg15780= (NM_133378.4); c.28224A>G, p.Arg9408= (NM_133432.3); c.28425A>G, p.Arg9475= (NM_133437.4).
Identifiers: ClinVar variation 751357 (VCV000751357.20), dbSNP rs1014328478, ClinGen allele CA430269373.